The following is an entry in ClinVar:

ClinVar aggregate classification (germline): Uncertain significance. Review status: criteria provided, multiple submitters, no conflicts (2 of 4 stars). 3 submissions from 3 submitters: Uncertain significance (3). Last evaluated 2025-08-29.

Conditions:
Imerslund-Grasbeck syndrome. Also called: PERNICIOUS ANEMIA, JUVENILE, DUE TO SELECTIVE INTESTINAL MALABSORPTION OF VITAMIN B12, WITH PROTEINURIA; Megaloblastic anemia due to inborn errors of metabolism; ENTEROCYTE COBALAMIN MALABSORPTION; ENTEROCYTE INTRINSIC FACTOR RECEPTOR, DEFECT OF; Imerslund-Gräsbeck syndrome. Identifiers: Orphanet 35858, MedGen C4551825, MONDO:0009853.
Proteinuria, chronic benign. Identifiers: MedGen C5394384, MONDO:0030042, OMIM 618884.
Imerslund-Grasbeck syndrome type 1 (IGS1). Also called: Imerslund-Gräsbeck syndrome 1; Megaloblastic anemia 1, Finnish type; MEGALOBLASTIC ANEMIA, 1. Identifiers: MedGen C4016819, MONDO:0100156, OMIM 261100.
Inborn genetic diseases. Identifiers: MedGen C0950123, MeSH D030342.

Allele frequency attached by ClinVar (database versions not stated): gnomAD exomes 0.00002; gnomAD 0.00007; TOPMed 0.00007; ESP Exome Variant Server 0.00008; ExAC 0.00004.
gnomAD v4.1: 170 of 1,613,916 alleles (0.011%); highest among the groups gnomAD compares: Non-Finnish European, 0.014%; no homozygotes.

Submissions (3):

Ambry Genetics
Classification: Uncertain significance for Inborn genetic diseases. Last evaluated: 2025-08-29. Review status: criteria provided, single submitter. Criteria: Ambry Variant Classification Scheme 2023. Collection method: clinical testing. Allele origin: germline.

Labcorp Genetics (formerly Invitae), Labcorp
Classification: Uncertain significance for Imerslund-Grasbeck syndrome. Last evaluated: 2022-06-27. Review status: criteria provided, single submitter. Criteria: Invitae Variant Classification Sherloc (09022015). Collection method: clinical testing. Allele origin: germline.
Comment: In summary, the available evidence is currently insufficient to determine the role of this variant in disease. Therefore, it has been classified as a Variant of Uncertain Significance. Algorithms developed to predict the effect of missense changes on protein structure and function output the following: SIFT: "Tolerated"; PolyPhen-2: "Benign"; Align-GVGD: "Class C0". The leucine amino acid residue is found in multiple mammalian species, which suggests that this missense change does not adversely affect protein function. This variant has not been reported in the literature in individuals affected with CUBN-related conditions. This variant is present in population databases (rs368231433, gnomAD 0.008%). This sequence change replaces histidine, which is basic and polar, with leucine, which is neutral and non-polar, at codon 572 of the CUBN protein (p.His572Leu).

Fulgent Genetics
Classification: Uncertain significance for Imerslund-Grasbeck syndrome type 1; Proteinuria, chronic benign. Last evaluated: 2021-12-13. Review status: criteria provided, single submitter. Criteria: ACMG Guidelines, 2015. Collection method: clinical testing. Allele origin: unknown.

NM_001081.4(CUBN):c.1715A>T (p.His572Leu)

Gene: CUBN (cubilin; minus strand). Cytogenetic location: 10p13.
Variant type: single nucleotide variant.
Coding change: c.1715A>T on transcript NM_001081.4 (MANE Select); coding-DNA position 1715, A replaced by T.
Protein change: p.His572Leu; replaces histidine 572 with leucine.
Molecular consequence: missense variant.
Genome position (GRCh38, 1-based): chr10:17,100,055, T>A on the plus strand (A>T on the coding strand, the complement: CUBN is on the minus strand). VCF-style: chr10-17100055-T-A. GRCh37 (hg19) VCF-style: chr10-17142054-T-A.
Other names: c.1715A>T (NM_001081.3); short protein forms H572L.
Identifiers: ClinVar variation 1378666 (VCV001378666.9), dbSNP rs368231433, ClinGen allele CA5425214.